The following is an entry in ClinVar:

NM_000245.4(MET):c.2890C>G (p.Leu964Val)

Gene: MET (MET proto-oncogene, receptor tyrosine kinase; plus strand). Cytogenetic location: 7q31.2.
Variant type: single nucleotide variant.
Coding change: c.2890C>G on transcript NM_000245.4 (MANE Select); coding-DNA position 2890, C replaced by G.
Protein change: p.Leu964Val; replaces leucine 964 with valine.
Molecular consequence: missense variant.
Genome position (GRCh38, 1-based): chr7:116,771,851, C>G. VCF-style: chr7-116771851-C-G. GRCh37 (hg19) VCF-style: chr7-116411905-C-G.
Other names: c.2944C>G, p.Leu982Val (NM_001127500.3); c.1600C>G, p.Leu534Val (NM_001324402.2); short protein forms L534V, L964V, L982V.
Identifiers: ClinVar variation 3232959 (VCV003232959.1), dbSNP rs2116995831, ClinGen allele CA368986914.
Genomic context (GRCh38, chr7:116,771,851, plus strand): 5'-TCTCCTGGGGCCCATGATAGCCGTCTTTAACAAGCTCTTTCTTTCTCTCTGTTTTAAGAT[C>G]TGGGCAGTGAATTAGTTCGCTACGATGCAAGAGTACACACTCCTCATTTGGATAGGCTTG-3'
Protein context (NP_000236.2, residues 954-974): WLKKRKQIKD[Leu964Val]GSELVRYDAR

ClinVar aggregate classification (germline): Uncertain significance (1 of 4 stars; one submission).

Conditions:
Hereditary cancer-predisposing syndrome. Also called: Neoplastic Syndromes, Hereditary; Tumor predisposition; Hereditary neoplastic syndrome; Hereditary Cancer Syndrome. Identifiers: Orphanet 140162, MedGen C0027672, MeSH D009386, MONDO:0015356.

Submission:

Ambry Genetics
Classification: Uncertain significance for Hereditary cancer-predisposing syndrome. Last evaluated: 2024-03-07. Review status: criteria provided, single submitter. Criteria: Ambry Variant Classification Scheme 2023. Collection method: clinical testing. Allele origin: germline.
Comment: The p.L982V variant (also known as c.2944C>G), located in coding exon 13 of the MET gene, results from a C to G substitution at nucleotide position 2944. The leucine at codon 982 is replaced by valine, an amino acid with highly similar properties. This amino acid position is conserved. In addition, the in silico prediction for this alteration is inconclusive. Based on the available evidence, the clinical significance of this alteration remains unclear.